The following is an entry in ClinVar:

NM_020779.4(WDR35):c.2976del (p.Leu993fs)

Gene: WDR35 (WD repeat domain 35; minus strand). Cytogenetic location: 2p24.1.
Variant type: Deletion.
Coding change: c.2976del on transcript NM_020779.4 (MANE Select); coding-DNA position 2976, one base deleted (C; older notation c.2976delC).
Protein change: p.Leu993fs; shifts the reading frame from leucine 993.
Molecular consequence: frameshift variant.
Genome position (GRCh38, 1-based): chr2:19,930,541, G deleted on the plus strand (C on the coding strand, the reverse complement: WDR35 is on the minus strand); the first of 2 consecutive G bases (chr2:19,930,541-19,930,542); deleting either gives the same sequence. VCF-style (leftmost placement, unchanged base first): chr2-19930540-AG-A. GRCh37 (hg19) VCF-style: chr2-20130301-AG-A.
Other names: c.3009del, p.Leu1004fs (NM_001006657.2); short protein forms L993fs, L1004fs.
Identifiers: ClinVar variation 839633 (VCV000839633.12), dbSNP rs1490771127, ClinGen allele CA763116761.

ClinVar aggregate classification (germline): Pathogenic/Likely pathogenic. Review status: criteria provided, multiple submitters, no conflicts (2 of 4 stars). 3 submissions from 3 submitters: Pathogenic (1); Likely pathogenic (2). Last evaluated 2025-09-16.

Conditions:
Cranioectodermal dysplasia 2 (CED2). Identifiers: Orphanet 1515, MedGen C3150874, MONDO:0013323, OMIM 613610.
Short-rib thoracic dysplasia 7 with or without polydactyly (SRTD7). Also called: Short rib polydactyly syndrome 5; SHORT-RIB THORACIC DYSPLASIA 7 WITH POLYDACTYLY. Identifiers: Orphanet 498497, Orphanet 93271, MedGen C3279792, MONDO:0013569, OMIM 614091.

Submissions (3):

Dasa
Classification: Likely pathogenic. Last evaluated: 2025-09-16. Review status: criteria provided, single submitter. Criteria: DASA Assertion Criteria. Collection method: clinical testing. Allele origin: germline.
Comment: NM_020779.4(WDR35):c.2976del (p.Leu993Trpfs*46) is a frameshift variant in WDR35 predicted to alter the reading frame and introduce a premature termination codon and is predicted to result in an absent or altered protein product. Loss of function is an established disease mechanism for WDR35-associated disorders. Also, this variant is rare in population databases. Based on the currently available evidence, this variant is classified as likely pathogenic.

Fulgent Genetics
Classification: Likely pathogenic for Cranioectodermal dysplasia 2; Short-rib thoracic dysplasia 7 with or without polydactyly. Last evaluated: 2024-04-20. Review status: criteria provided, single submitter. Criteria: ACMG Guidelines, 2015. Collection method: clinical testing. Allele origin: germline.

Labcorp Genetics (formerly Invitae), Labcorp
Classification: Pathogenic for Cranioectodermal dysplasia 2; Short-rib thoracic dysplasia 7 with or without polydactyly. Last evaluated: 2022-07-12. Review status: criteria provided, single submitter. Criteria: Invitae Variant Classification Sherloc (09022015). Collection method: clinical testing. Allele origin: germline.
Comment: This variant has not been reported in the literature in individuals affected with WDR35-related conditions. For these reasons, this variant has been classified as Pathogenic. ClinVar contains an entry for this variant (Variation ID: 839633). This variant is not present in population databases (gnomAD no frequency). This sequence change creates a premature translational stop signal (p.Leu1004Trpfs*46) in the WDR35 gene. It is expected to result in an absent or disrupted protein product. Loss-of-function variants in WDR35 are known to be pathogenic (PMID: 22486404, 29068549).

Literature cited by the submitters: PubMed 22486404 (cited by Labcorp Genetics (formerly Invitae), Labcorp); PubMed 29068549 (cited by Labcorp Genetics (formerly Invitae), Labcorp).